The following is an entry in ClinVar:

ClinVar aggregate classification (germline): Uncertain significance (1 of 4 stars; one submission).

Submission:

Labcorp Genetics (formerly Invitae), Labcorp
Classification: Uncertain significance. Last evaluated: 2021-09-14. Review status: criteria provided, single submitter. Criteria: Invitae Variant Classification Sherloc (09022015). Collection method: clinical testing. Allele origin: germline.
Comment: This sequence change replaces arginine with serine at codon 272 of the ADAMTS18 protein (p.Arg272Ser). The arginine residue is moderately conserved and there is a moderate physicochemical difference between arginine and serine. This variant is not present in population databases (ExAC no frequency). This variant has not been reported in the literature in individuals affected with ADAMTS18-related conditions. Algorithms developed to predict the effect of missense changes on protein structure and function are either unavailable or do not agree on the potential impact of this missense change (SIFT: "Not Available"; PolyPhen-2: "Benign"; Align-GVGD: "Not Available"). In summary, the available evidence is currently insufficient to determine the role of this variant in disease. Therefore, it has been classified as a Variant of Uncertain Significance.

NM_199355.4(ADAMTS18):c.816G>C (p.Arg272Ser)

Gene: ADAMTS18 (ADAM metallopeptidase with thrombospondin type 1 motif 18; minus strand). Cytogenetic location: 16q23.1.
Variant type: single nucleotide variant.
Coding change: c.816G>C on transcript NM_199355.4 (MANE Select); coding-DNA position 816, G replaced by C.
Protein change: p.Arg272Ser; replaces arginine 272 with serine.
Molecular consequence: missense variant.
Genome position (GRCh38, 1-based): chr16:77,364,344, C>G on the plus strand (G>C on the coding strand, the complement: ADAMTS18 is on the minus strand). VCF-style: chr16-77364344-C-G. GRCh37 (hg19) VCF-style: chr16-77398241-C-G.
Other names: c.300G>C, p.Arg100Ser (NM_001326358.2); short protein forms R100S, R272S.
Identifiers: ClinVar variation 1485032 (VCV001485032.6), dbSNP rs2056761248, ClinGen allele CA396836976.